The following is an entry in ClinVar:

ClinVar aggregate classification (germline): Uncertain significance. Review status: criteria provided, multiple submitters, no conflicts (2 of 4 stars). 2 submissions from 2 submitters: Uncertain significance (2). Last evaluated 2024-02-17.

Conditions:
Wilson disease (WND). Also called: Wilson's disease. Identifiers: Orphanet 905, MedGen C0019202, MONDO:0010200, OMIM 277900. Disease mechanism: loss of function.

gnomAD v4.1: 4 of 1,614,100 alleles (0.00025%); highest among the groups gnomAD compares: Non-Finnish European, 0.00034%; no homozygotes.

Submissions (2):

Labcorp Genetics (formerly Invitae), Labcorp
Classification: Uncertain significance for Wilson disease. Last evaluated: 2024-02-17. Review status: criteria provided, single submitter. Criteria: Invitae Variant Classification Sherloc (09022015). Collection method: clinical testing. Allele origin: germline.
Comment: This sequence change replaces isoleucine, which is neutral and non-polar, with methionine, which is neutral and non-polar, at codon 613 of the ATP7B protein (p.Ile613Met). This variant is present in population databases (no rsID available, gnomAD 0.0009%). This variant has not been reported in the literature in individuals affected with ATP7B-related conditions. ClinVar contains an entry for this variant (Variation ID: 2416537). Advanced modeling of protein sequence and biophysical properties (such as structural, functional, and spatial information, amino acid conservation, physicochemical variation, residue mobility, and thermodynamic stability) performed at Invitae indicates that this missense variant is not expected to disrupt ATP7B protein function with a negative predictive value of 80%. In summary, the available evidence is currently insufficient to determine the role of this variant in disease. Therefore, it has been classified as a Variant of Uncertain Significance.

All of Us Research Program, National Institutes of Health
Classification: Uncertain significance for Wilson disease. Last evaluated: 2023-03-23. Review status: criteria provided, single submitter. Criteria: ACMG Guidelines, 2015. Collection method: clinical testing. Allele origin: germline. Inheritance: Autosomal recessive inheritance. Observed: 2 variant alleles, 2 heterozygotes.
Comment: This missense variant replaces isoleucine with methionine at codon 613 of the ATP7B protein. Computational prediction suggests that this variant may not impact protein structure and function (internally defined REVEL score threshold <= 0.5, PMID: 27666373). To our knowledge, functional studies have not been reported for this variant. This variant has not been reported in individuals affected with ATP7B-related disorders in the literature. This variant has been identified in 1/249568 chromosomes in the general population by the Genome Aggregation Database (gnomAD). The available evidence is insufficient to determine the role of this variant in disease conclusively. Therefore, this variant is classified as a Variant of Uncertain Significance.

This study involves interpretation of variants in research participants for the purpose of population health screening. Participant phenotype was not available at the time of variant classification. Additional details can be found in publication PMID: 35346344, PMCID: PMC8962531

NM_000053.4(ATP7B):c.1839C>G (p.Ile613Met)

Gene: ATP7B (ATPase copper transporting beta; minus strand). Cytogenetic location: 13q14.3.
Variant type: single nucleotide variant.
Coding change: c.1839C>G on transcript NM_000053.4 (MANE Select); coding-DNA position 1839, C replaced by G.
Protein change: p.Ile613Met; replaces isoleucine 613 with methionine.
Molecular consequence: missense variant.
Genome position (GRCh38, 1-based): chr13:51,964,902, G>C on the plus strand (C>G on the coding strand, the complement: ATP7B is on the minus strand). VCF-style: chr13-51964902-G-C. GRCh37 (hg19) VCF-style: chr13-52539038-G-C.
Other names: c.1743C>G, p.Ile581Met (NM_001406517.1, NM_001406518.1, NM_001406543.1 and 3 more transcripts); c.1839C>G, p.Ile613Met (NM_001406519.1, NM_001406520.1, NM_001406521.1 and 24 more transcripts); c.1806C>G, p.Ile602Met (NM_001406524.1, NM_001406514.1); c.1410C>G, p.Ile470Met (NM_001406539.1); c.1506C>G, p.Ile502Met (NM_001243182.2); short protein forms I470M, I502M, I581M, I602M, I613M.
Identifiers: ClinVar variation 2416537 (VCV002416537.6), dbSNP rs370476756, ClinGen allele CA388030085.